The following is an entry in ClinVar:

NM_001145026.2(PTPRQ):c.1673_1682del (p.Thr558fs)

Gene: PTPRQ (protein tyrosine phosphatase receptor type Q; plus strand). Cytogenetic location: 12q21.31.
Variant type: Deletion.
Coding change: c.1673_1682del on transcript NM_001145026.2 (MANE Select); coding-DNA positions 1673 to 1682, 10 bases deleted (CAGTTCTCAG; older notation c.1673_1682delCAGTTCTCAG).
Protein change: p.Thr558fs; shifts the reading frame from threonine 558.
Molecular consequence: frameshift variant.
Genome position (GRCh38, 1-based): chr12:80,495,065-80,495,074, CAGTTCTCAG deleted. VCF-style (leftmost placement, unchanged base first): chr12-80495064-ACAGTTCTCAG-A. GRCh37 (hg19) VCF-style: chr12-80888843-ACAGTTCTCAG-A.
Other names: c.1673_1682delCAGTTCTCAG (NM_001145026.1); short protein forms T558fs.
Identifiers: ClinVar variation 1217990 (VCV001217990.6), dbSNP rs1894570068, ClinGen allele CA481015137.

ClinVar aggregate classification (germline): Pathogenic/Likely pathogenic. Review status: criteria provided, multiple submitters, no conflicts (2 of 4 stars). 3 submissions from 3 submitters: Pathogenic (2); Likely pathogenic (1). Last evaluated 2025-10-07.

Conditions:
PTPRQ-related disorder. Also called: PTPRQ-related condition.
Autosomal recessive nonsyndromic hearing loss 84A. Also called: DEAFNESS, AUTOSOMAL RECESSIVE 84A; DEAFNESS, AUTOSOMAL RECESSIVE 84A, WITH VESTIBULAR DYSFUNCTION. Identifiers: Orphanet 90636, MedGen C3150654, MONDO:0013249, OMIM 613391.

Allele frequency attached by ClinVar (database versions not stated): gnomAD exomes 0.00001; gnomAD 0.00001; TOPMed 0.00001.

Submissions (3):

GeneDx
Classification: Pathogenic. Last evaluated: 2025-10-07. Review status: criteria provided, single submitter. Criteria: GeneDx Variant Classification Process June 2021. Collection method: clinical testing. Allele origin: germline. Affected: yes.
Comment: Frameshift variant predicted to result in protein truncation or nonsense mediated decay in a gene for which loss-of-function is a known mechanism of disease; Not observed at significant frequency in large population cohorts (gnomAD); Has not been previously published as pathogenic or benign to our knowledge

PreventionGenetics, part of Exact Sciences
Classification: Likely pathogenic for PTPRQ-related condition. Last evaluated: 2024-11-09. Review status: criteria provided, single submitter. Criteria: ACMG Guidelines, 2015. Collection method: clinical testing. Allele origin: germline.
Comment: The PTPRQ c.1673_1682del10 variant is predicted to result in a frameshift and premature protein termination (p.Thr558Metfs*15). To our knowledge, this variant has not been reported in the literature or in a large population database (gnomAD), indicating this variant is rare. Frameshift variants in PTPRQ are expected to be pathogenic. This variant is interpreted as likely pathogenic.

Victorian Clinical Genetics Services, Murdoch Childrens Research Institute
Classification: Pathogenic for Autosomal recessive nonsyndromic hearing loss 84A. Last evaluated: 2024-10-09. Review status: criteria provided, single submitter. Criteria: ACMG Guidelines, 2015. Collection method: clinical testing. Allele origin: germline. Inheritance: Autosomal recessive inheritance. Affected: yes.
Comment: Based on the classification scheme VCGS_Germline_v1.3.4, this variant is classified as Pathogenic. Following criteria are met: 0102 - Loss of function is a known mechanism of disease in this gene and is associated with autosomal recessive deafness 84A (MIM#613391). Dominant-negative is the postulated mechanism for autosomal dominant deafness 73 (MIM#617663) (PMID: 31655630). (I) 0108 - This gene is associated with both recessive and dominant disease. (I) 0115 - Variants in this gene are known to have variable expressivity. Intra-familial variability has been reported (PMID: 31655630). (I) 0201 - Variant is predicted to cause nonsense-mediated decay (NMD) and loss of protein (premature termination codon is located at least 54 nucleotides upstream of the final exon-exon junction). (SP) 0251 - This variant is heterozygous. (I) 0304 - Variant is present in gnomAD (v3) <0.01 (1 heterozygote, 0 homozygotes). (SP) 0701 - Other NMD predicted variants comparable to the one identified in this case have very strong previous evidence for pathogenicity (DECIPHER, PMID: 25557914, 33478437). (SP) 0803 - This variant has limited previous evidence of pathogenicity in an unrelated individual. This variant has been classified as pathogenic on ClinVar. (SP) 0905 - No published segregation evidence has been identified for this variant. (I) 1007 - No published functional evidence has been identified for this variant. (I) 1208 - Inheritance information for this variant is not currently available in this individual. (I) Legend: (SP) - Supporting pathogenic, (I) - Information, (SB) - Supporting benign

Literature cited by the submitters: PubMed 25557914 (cited by Victorian Clinical Genetics Services, Murdoch Childrens Research Institute); PubMed 31655630 (cited by Victorian Clinical Genetics Services, Murdoch Childrens Research Institute); PubMed 33478437 (cited by Victorian Clinical Genetics Services, Murdoch Childrens Research Institute).